The following is an entry in ClinVar:

NM_003482.4(KMT2D):c.1979C>T (p.Ser660Leu)

Gene: KMT2D (lysine methyltransferase 2D; minus strand). Cytogenetic location: 12q13.12.
Variant type: single nucleotide variant.
Coding change: c.1979C>T on transcript NM_003482.4 (MANE Select); coding-DNA position 1979, C replaced by T.
Protein change: p.Ser660Leu; replaces serine 660 with leucine.
Molecular consequence: missense variant.
Genome position (GRCh38, 1-based): chr12:49,051,704, G>A on the plus strand (C>T on the coding strand, the complement: KMT2D is on the minus strand). VCF-style: chr12-49051704-G-A. GRCh37 (hg19) VCF-style: chr12-49445487-G-A.
Other names: short protein forms S660L.
Identifiers: ClinVar variation 1385612 (VCV001385612.6), dbSNP rs2120675063, ClinGen allele CA384669494.

ClinVar aggregate classification (germline): Uncertain significance (1 of 4 stars; one submission).

Conditions:
Kabuki syndrome. Also called: NIIKAWA-KUROKI SYNDROME; Kabuki make-up syndrome. Identifiers: Orphanet 2322, MedGen C0796004, MONDO:0016512.

Submission:

Labcorp Genetics (formerly Invitae), Labcorp
Classification: Uncertain significance for Kabuki syndrome. Last evaluated: 2021-10-15. Review status: criteria provided, single submitter. Criteria: Invitae Variant Classification Sherloc (09022015). Collection method: clinical testing. Allele origin: germline.
Comment: This sequence change replaces serine with leucine at codon 660 of the KMT2D protein (p.Ser660Leu). The serine residue is weakly conserved and there is a large physicochemical difference between serine and leucine. In summary, the available evidence is currently insufficient to determine the role of this variant in disease. Therefore, it has been classified as a Variant of Uncertain Significance. Advanced modeling of protein sequence and biophysical properties (such as structural, functional, and spatial information, amino acid conservation, physicochemical variation, residue mobility, and thermodynamic stability) performed at Invitae indicates that this missense variant is not expected to disrupt KMT2D protein function. This variant has not been reported in the literature in individuals affected with KMT2D-related conditions. This variant is not present in population databases (ExAC no frequency).